The following is an entry in ClinVar:

ClinVar aggregate classification (germline): Uncertain significance (1 of 4 stars; one submission).

Conditions:
Developmental and epileptic encephalopathy. Identifiers: MedGen C5779964, MONDO:0100620.

Allele frequency attached by ClinVar (database versions not stated): gnomAD exomes below 0.00001; ExAC 0.00001; TOPMed 0.00003.
gnomAD v4.1: 5 of 1,614,014 alleles (0.00031%); highest among the groups gnomAD compares: Middle Eastern, 0.049%; 1 homozygote.

Submission:

Labcorp Genetics (formerly Invitae), Labcorp
Classification: Uncertain significance for Early-infantile DEE. Last evaluated: 2022-07-26. Review status: criteria provided, single submitter. Criteria: Invitae Variant Classification Sherloc (09022015). Collection method: clinical testing. Allele origin: germline.
Comment: ClinVar contains an entry for this variant (Variation ID: 461295). In summary, the available evidence is currently insufficient to determine the role of this variant in disease. Therefore, it has been classified as a Variant of Uncertain Significance. Algorithms developed to predict the effect of missense changes on protein structure and function are either unavailable or do not agree on the potential impact of this missense change (SIFT: "Deleterious"; PolyPhen-2: "Probably Damaging"; Align-GVGD: "Class C0"). This variant has not been reported in the literature in individuals affected with CACNA2D2-related conditions. This variant is present in population databases (rs752852530, gnomAD 0.003%). This sequence change replaces arginine, which is basic and polar, with histidine, which is basic and polar, at codon 406 of the CACNA2D2 protein (p.Arg406His).

NM_006030.4(CACNA2D2):c.1217G>A (p.Arg406His)

Gene: CACNA2D2 (calcium voltage-gated channel auxiliary subunit alpha2delta 2; minus strand). Cytogenetic location: 3p21.31.
Variant type: single nucleotide variant.
Coding change: c.1217G>A on transcript NM_006030.4 (MANE Select); coding-DNA position 1217, G replaced by A.
Protein change: p.Arg406His; replaces arginine 406 with histidine.
Molecular consequence: missense variant.
Genome position (GRCh38, 1-based): chr3:50,379,135, C>T on the plus strand (G>A on the coding strand, the complement: CACNA2D2 is on the minus strand). VCF-style: chr3-50379135-C-T. GRCh37 (hg19) VCF-style: chr3-50416566-C-T.
Other names: c.1217G>A, p.Arg406His (NM_001005505.3, NM_001174051.3); c.1010G>A, p.Arg337His (NM_001291101.1); short protein forms R406H, R337H.
Identifiers: ClinVar variation 461295 (VCV000461295.5), dbSNP rs752852530, ClinGen allele CA2418946.